The following is an entry in ClinVar:

ClinVar aggregate classification (germline): Likely pathogenic. Review status: criteria provided, multiple submitters, no conflicts (2 of 4 stars). 2 submissions from 2 submitters: Likely pathogenic (2). Last evaluated 2022-11-23.

Conditions:
Neuronal ceroid lipofuscinosis 7 (CLN7). Also called: MFSD8-Related Neuronal Ceroid-Lipofuscinosis. Identifiers: Orphanet 168491, Orphanet 228366, MedGen C1838571, MONDO:0012588, OMIM 610951.
MFSD8-related disorders.

Allele frequency attached by ClinVar (database versions not stated): TOPMed 0.00001.
gnomAD v4.1: 9 of 1,614,096 alleles (0.00056%); highest among the groups gnomAD compares: Non-Finnish European, 0.00076%; no homozygotes.

Submissions (2):

Blueprint Genetics
Classification: Likely pathogenic for MFSD8-related disorders. Last evaluated: 2022-11-23. Review status: criteria provided, single submitter. Criteria: ACMG Guidelines, 2015. Collection method: clinical testing. Allele origin: germline. Affected: yes. Observed: 2 variant alleles.

Victorian Clinical Genetics Services, Murdoch Childrens Research Institute
Classification: Likely pathogenic for Neuronal ceroid lipofuscinosis 7. Last evaluated: 2022-02-02. Review status: criteria provided, single submitter. Criteria: ACMG Guidelines, 2015. Collection method: clinical testing. Allele origin: germline. Inheritance: Autosomal recessive inheritance. Affected: yes.
Comment: Based on the classification scheme VCGS_Germline_v1.3.4, this variant is classified as Likely pathogenic. Following criteria are met: 0102 - Loss of function is a known mechanism of disease in this gene and is associated with neuronal ceroid lipofuscinosis 7 (MIM#610951). (I) 0106 - This gene is associated with autosomal recessive disease. (I) 0200 - Variant is predicted to result in a missense amino acid change from arginine to leucine. (I) 0253 - This variant is hemizygous. (I) 0304 - Variant is present in gnomAD (v2) <0.01 for a recessive condition (2 heterozygotes, 0 homozygotes). (SP) 0309 - An alternative amino acid change at the same position has been observed in gnomAD (v2) (1 heterozygote, 0 homozygotes). (I) 0501 - Missense variant consistently predicted to be damaging by multiple in silico tools or highly conserved with a major amino acid change. (SP) 0600 - Variant is located in the annotated Major Facilitator Superfamily (DECIPHER). (I) 0703 - Other missense variants comparable to the one identified in this case have moderate previous evidence for pathogenicity. An alternative change to a histidine has been reported in two patients with ceroid lipofuscinosis (PMID: 19201763, 28708303). Another change to a cysteine has also been reported in ClinVar as both likely pathogenic and VUS. (SP) 0807 - This variant has no previous evidence of pathogenicity. (I) 0905 - No published segregation evidence has been identified for this variant. (I) 1007 - No published functional evidence has been identified for this variant. (I) 1102 - Strong phenotype match for this individual. (I) Legend: (SP) - Supporting pathogenic, (I) - Information, (SB) - Supporting benign

Literature cited by the submitters: PubMed 19201763 (cited by Victorian Clinical Genetics Services, Murdoch Childrens Research Institute); PubMed 28708303 (cited by Victorian Clinical Genetics Services, Murdoch Childrens Research Institute).

NM_001371596.2(MFSD8):c.416G>T (p.Arg139Leu)

Gene: MFSD8 (major facilitator superfamily domain containing 8; minus strand). Cytogenetic location: 4q28.2.
Variant type: single nucleotide variant.
Coding change: c.416G>T on transcript NM_001371596.2 (MANE Select); coding-DNA position 416, G replaced by T.
Protein change: p.Arg139Leu; replaces arginine 139 with leucine.
Molecular consequence: missense variant.
Genome position (GRCh38, 1-based): chr4:127,943,775, C>A on the plus strand (G>T on the coding strand, the complement: MFSD8 is on the minus strand). VCF-style: chr4-127943775-C-A. GRCh37 (hg19) VCF-style: chr4-128864930-C-A.
Other names: c.416G>T, p.Arg139Leu (NM_001363520.3, NM_001363521.3, NM_001371591.2 and 5 more transcripts); c.281G>T, p.Arg94Leu (NM_001371590.2, NM_001371595.1, NM_001410765.1); short protein forms R139L, R94L.
Identifiers: ClinVar variation 1805060 (VCV001805060.2), dbSNP rs749704755, ClinGen allele CA3077485.